The following is an entry in ClinVar:

NM_006218.4(PIK3CA):c.2272G>A (p.Ala758Thr)

Gene: PIK3CA (phosphatidylinositol-4,5-bisphosphate 3-kinase catalytic subunit alpha; plus strand). Cytogenetic location: 3q26.32.
Variant type: single nucleotide variant.
Coding change: c.2272G>A on transcript NM_006218.4 (MANE Select); coding-DNA position 2272, G replaced by A.
Protein change: p.Ala758Thr; replaces alanine 758 with threonine.
Molecular consequence: missense variant.
Genome position (GRCh38, 1-based): chr3:179,224,165, G>A. VCF-style: chr3-179224165-G-A. GRCh37 (hg19) VCF-style: chr3-178941953-G-A.
Other names: short protein forms A758T.
Identifiers: ClinVar variation 1788810 (VCV001788810.2), dbSNP rs2108416929, ClinGen allele CA355270927.
Genomic context (GRCh38, chr3:179,224,165, plus strand): 5'-CAAATGAGGCGACCAGATTTCATGGATGCTCTACAGGGCTTTCTGTCTCCTCTAAACCCT[G>A]CTCATCAACTAGGAAACCTCAGGTACTTTCTTGGGGGTTTCATTGATATATTTAAATAAA-3'
Protein context (NP_006209.2, residues 748-768): LQGFLSPLNP[Ala758Thr]HQLGNLRLEE

ClinVar aggregate classification (germline): Uncertain significance (1 of 4 stars; one submission).

Conditions:
Inborn genetic diseases. Identifiers: MedGen C0950123, MeSH D030342.

Allele frequency attached by ClinVar (database versions not stated): gnomAD exomes below 0.00001.
gnomAD v4.1: 1 of 1,570,614 alleles (0.000064%); highest among the groups gnomAD compares: Non-Finnish European, 0.000087%; no homozygotes.

Submission:

Ambry Genetics
Classification: Uncertain significance for Inborn genetic diseases. Last evaluated: 2024-02-16. Review status: criteria provided, single submitter. Criteria: Ambry Variant Classification Scheme 2023. Collection method: clinical testing. Allele origin: germline.
Comment: The p.A758T variant (also known as c.2272G>A), located in coding exon 14 of the PIK3CA gene, results from a G to A substitution at nucleotide position 2272. The alanine at codon 758 is replaced by threonine, an amino acid with similar properties. This amino acid position is conserved. In addition, the in silico prediction for this alteration is inconclusive. Since supporting evidence is limited at this time, the clinical significance of this alteration remains unclear.